The following is an entry in ClinVar:

NM_000142.5(FGFR3):c.409G>A (p.Gly137Arg)

Gene: FGFR3 (fibroblast growth factor receptor 3; plus strand). Cytogenetic location: 4p16.3.
Variant type: single nucleotide variant.
Coding change: c.409G>A on transcript NM_000142.5 (MANE Select); coding-DNA position 409, G replaced by A.
Protein change: p.Gly137Arg; replaces glycine 137 with arginine.
Molecular consequence: missense variant. On other transcripts: non-coding transcript variant (1).
Genome position (GRCh38, 1-based): chr4:1,799,776, G>A. VCF-style: chr4-1799776-G-A. GRCh37 (hg19) VCF-style: chr4-1801503-G-A.
Other names: c.409G>A (NM_000142.4); c.409G>A, p.Gly137Arg (NM_001163213.2, NM_001354809.2, NM_001354810.2 and 1 more transcripts); short protein forms G137R.
Identifiers: ClinVar variation 1680004 (VCV001680004.8), dbSNP rs750990333, ClinGen allele CA2809810.

ClinVar aggregate classification (germline): Uncertain significance. Review status: criteria provided, multiple submitters, no conflicts (2 of 4 stars). 3 submissions from 3 submitters: Uncertain significance (3). Last evaluated 2026-06-23.

Conditions:
FGFR3-related chondrodysplasia. Identifiers: Orphanet 93420, MedGen C5681604, MONDO:0019685.
FGFR3-related disorder. Also called: FGFR3-related disorders.

Allele frequency attached by ClinVar (database versions not stated): gnomAD 0.00001; ExAC 0.00002; gnomAD exomes 0.00002.
gnomAD v4.1: 18 of 1,612,942 alleles (0.0011%); highest among the groups gnomAD compares: East Asian, 0.0045%; no homozygotes.

Submissions (3):

Genomenon, Inc
Classification: Uncertain significance for FGFR3-related chondrodysplasia. Last evaluated: 2026-06-23. Review status: criteria provided, single submitter. Criteria: Genomenon Sequence Variant Interpretation Standards - Updated. Collection method: curation. Allele origin: germline. Affected: no.
Comment: FGFR3 p.Gly137Arg (c.409G>A) is a missense variant that changes the amino acid at codon 137 from Glycine to Arginine. This variant has been reported in the published literature (PMID:28338653). It is absent or not present at a significant frequency in gnomAD. In silico models predict that this variant is not damaging. In conclusion, we classify FGFR3 p.Gly137Arg (c.409G>A) as a variant of uncertain significance.

Labcorp Genetics (formerly Invitae), Labcorp
Classification: Uncertain significance. Last evaluated: 2025-08-06. Review status: criteria provided, single submitter. Criteria: Invitae Variant Classification Sherloc (09022015). Collection method: clinical testing. Allele origin: germline.
Comment: This sequence change replaces glycine, which is neutral and non-polar, with arginine, which is basic and polar, at codon 137 of the FGFR3 protein (p.Gly137Arg). This variant is present in population databases (rs750990333, gnomAD 0.01%). This variant has not been reported in the literature in individuals affected with FGFR3-related conditions. ClinVar contains an entry for this variant (Variation ID: 1680004). Invitae Evidence Modeling of protein sequence and biophysical properties (such as structural, functional, and spatial information, amino acid conservation, physicochemical variation, residue mobility, and thermodynamic stability) indicates that this missense variant is not expected to disrupt FGFR3 protein function with a negative predictive value of 95%. In summary, the available evidence is currently insufficient to determine the role of this variant in disease. Therefore, it has been classified as a Variant of Uncertain Significance.

PreventionGenetics, part of Exact Sciences
Classification: Uncertain significance for FGFR3-related condition. Last evaluated: 2023-04-13. Review status: criteria provided, single submitter. Criteria: ACMG Guidelines, 2015. Collection method: clinical testing. Allele origin: germline.
Comment: The FGFR3 c.409G>A variant is predicted to result in the amino acid substitution p.Gly137Arg. To our knowledge, this variant has not been reported in the literature. This variant is reported in 0.010% of alleles in individuals of East Asian descent in gnomAD. At this time, the clinical significance of this variant is uncertain due to the absence of conclusive functional and genetic evidence.

Literature cited by the submitters: PubMed 28338653 (cited by Genomenon, Inc).